The following is an entry in ClinVar:

ClinVar aggregate classification (germline): Likely pathogenic (1 of 4 stars; one submission).

Conditions:
Spondyloepimetaphyseal dysplasia, Genevieve type. Also called: SEMD Genevieve type; NANS DEFICIENCY. Identifiers: Orphanet 168454, MedGen C1864872, MONDO:0012495, OMIM 610442.

Submission:

3billion
Classification: Likely pathogenic for Spondyloepimetaphyseal dysplasia, Genevieve type. Review status: criteria provided, single submitter. Criteria: ACMG Guidelines, 2015. Collection method: clinical testing. Allele origin: unknown. Affected: yes. Observed: 1 heterozygote.
Comment: The variant is not observed in the gnomAD v2.1.1 dataset. The variant is predicted to result in a loss or disruption of normal protein function through nonsense-mediated decay (NMD) or protein truncation. Multiple pathogenic variants are reported downstream of the variant. Therefore, this variant is classified as Likely pathogenic according to the recommendation of ACMG/AMP guideline.

NM_018946.4(NANS):c.735G>A (p.Trp245Ter)

Genes: NANS (N-acetylneuraminate synthase; plus strand), TRIM14 (tripartite motif containing 14; minus strand). Cytogenetic location: 9q22.33.
Variant type: single nucleotide variant.
Coding change: c.735G>A on transcript NM_018946.4 (MANE Select); coding-DNA position 735, G replaced by A.
Protein change: p.Trp245Ter; replaces tryptophan 245 with a stop codon.
Molecular consequence: nonsense.
Genome position (GRCh38, 1-based): chr9:98,080,947, G>A. VCF-style: chr9-98080947-G-A. GRCh37 (hg19) VCF-style: chr9-100843229-G-A.
Other names: short protein forms W245*.
Identifiers: ClinVar variation 2572433 (VCV002572433.1), dbSNP rs922323466, ClinGen allele CA196768780.